The following is an entry in ClinVar:

ClinVar aggregate classification (germline): Uncertain significance (1 of 4 stars; one submission).

Conditions:
UGT1A1-related disorder. Also called: UGT1A1-related disorders; UGT1A1-related condition.

Allele frequency attached by ClinVar (database versions not stated): gnomAD exomes below 0.00001; ExAC 0.00001.
gnomAD v4.1: 3 of 1,614,178 alleles (0.00019%); highest among the groups gnomAD compares: East Asian, 0.0022%; no homozygotes.

Submission:

PreventionGenetics, part of Exact Sciences
Classification: Uncertain significance for UGT1A1-related condition. Last evaluated: 2023-05-03. Review status: criteria provided, single submitter. Criteria: ACMG Guidelines, 2015. Collection method: clinical testing. Allele origin: germline.
Comment: The UGT1A1 c.614C>T variant is predicted to result in the amino acid substitution p.Thr205Ile. To our knowledge, this variant has not been reported in the literature. This variant is reported in 0.0054% of alleles in individuals of East Asian descent in gnomAD. At this time, the clinical significance of this variant is uncertain due to the absence of conclusive functional and genetic evidence.

NM_000463.3(UGT1A1):c.614C>T (p.Thr205Ile)

Genes: UGT1A (UDP glucuronosyltransferase family 1 member A complex locus; plus strand), UGT1A1 (UDP glucuronosyltransferase family 1 member A1; plus strand), UGT1A10 (UDP glucuronosyltransferase family 1 member A10; plus strand), UGT1A3 (UDP glucuronosyltransferase family 1 member A3; plus strand), UGT1A4 (UDP glucuronosyltransferase family 1 member A4; plus strand) and 5 more. Cytogenetic location: 2q37.1.
Variant type: single nucleotide variant.
Coding change: c.614C>T on transcript NM_000463.3 (MANE Select); coding-DNA position 614, C replaced by T.
Protein change: p.Thr205Ile; replaces threonine 205 with isoleucine.
Molecular consequence: missense variant. On other transcripts: intron variant (9).
Genome position (GRCh38, 1-based): chr2:233,760,901, C>T. VCF-style: chr2-233760901-C-T. GRCh37 (hg19) VCF-style: chr2-234669547-C-T.
Other names: c.856-6133C>T (NM_019076.5, NM_019075.4, NM_021027.3 and 1 more transcripts); c.61-6133C>T (NM_205862.3); c.862-6133C>T (NM_001072.4); c.868-6133C>T (NM_019078.2, NM_007120.3, NM_019093.4); short protein forms T205I.
Identifiers: ClinVar variation 2629503 (VCV002629503.1), dbSNP rs766170365, ClinGen allele CA2179854.
Genomic context (GRCh38, chr2:233,760,901, plus strand): 5'-AGTGCCCCAACCCATTCTCCTACGTGCCCAGGCCTCTCTCCTCTCATTCAGATCACATGA[C>T]CTTCCTGCAGCGGGTGAAGAACATGCTCATTGCCTTTTCACAGAACTTTCTGTGCGACGT-3'
Protein context (NP_000454.1, residues 195-215): RPLSSHSDHM[Thr205Ile]FLQRVKNMLI